The following is an entry in ClinVar:

ClinVar aggregate classification (germline): Uncertain significance (1 of 4 stars; one submission).

Submission:

Labcorp Genetics (formerly Invitae), Labcorp
Classification: Uncertain significance. Last evaluated: 2024-06-19. Review status: criteria provided, single submitter. Criteria: Invitae Variant Classification Sherloc (09022015). Collection method: clinical testing. Allele origin: germline.
Comment: This sequence change replaces alanine, which is neutral and non-polar, with serine, which is neutral and polar, at codon 589 of the ADGRE2 protein (p.Ala589Ser). This variant is not present in population databases (gnomAD no frequency). This variant has not been reported in the literature in individuals affected with ADGRE2-related conditions. An algorithm developed to predict the effect of missense changes on protein structure and function (PolyPhen-2) suggests that this variant is likely to be disruptive. In summary, the available evidence is currently insufficient to determine the role of this variant in disease. Therefore, it has been classified as a Variant of Uncertain Significance.

NM_013447.4(ADGRE2):c.1765G>T (p.Ala589Ser)

Gene: ADGRE2 (adhesion G protein-coupled receptor E2; minus strand). Cytogenetic location: 19p13.12.
Variant type: single nucleotide variant.
Coding change: c.1765G>T on transcript NM_013447.4 (MANE Select); coding-DNA position 1765, G replaced by T.
Protein change: p.Ala589Ser; replaces alanine 589 with serine.
Molecular consequence: missense variant.
Genome position (GRCh38, 1-based): chr19:14,752,352, C>A on the plus strand (G>T on the coding strand, the complement: ADGRE2 is on the minus strand). VCF-style: chr19-14752352-C-A. GRCh37 (hg19) VCF-style: chr19-14863164-C-A.
Other names: c.1591G>T, p.Ala531Ser (NM_001271052.1); c.1618G>T, p.Ala540Ser (NM_152916.2); c.1486G>T, p.Ala496Ser (NM_152917.2); short protein forms A589S, A531S, A496S, A540S.
Identifiers: ClinVar variation 3657080 (VCV003657080.2).